The following is an entry in ClinVar:

NM_001367624.2(ZNF469):c.2857C>G (p.Leu953Val)

Gene: ZNF469 (zinc finger protein 469; plus strand). Cytogenetic location: 16q24.2.
Variant type: single nucleotide variant.
Coding change: c.2857C>G on transcript NM_001367624.2 (MANE Select); coding-DNA position 2857, C replaced by G.
Protein change: p.Leu953Val; replaces leucine 953 with valine.
Molecular consequence: missense variant.
Genome position (GRCh38, 1-based): chr16:88,430,327, C>G. VCF-style: chr16-88430327-C-G. GRCh37 (hg19) VCF-style: chr16-88496735-C-G.
Other names: NM_001127464.2:c.2857C>G; short protein forms L953V.
Identifiers: ClinVar variation 4979271 (VCV004979271.1).

ClinVar aggregate classification (germline): Uncertain significance (1 of 4 stars; one submission).

Conditions:
ZNF469-related disorder. Also called: ZNF469-related condition.

gnomAD v4.1: 2 of 1,515,170 alleles (0.00013%); highest among the groups gnomAD compares: Non-Finnish European, 0.00018%; no homozygotes.

Submission:

PreventionGenetics, part of Exact Sciences
Classification: Uncertain significance for ZNF469-related condition. Last evaluated: 2026-09-04. Review status: criteria provided, single submitter. Criteria: ACMG Guidelines, 2015. Collection method: clinical testing. Allele origin: germline.
Comment: The ZNF469 c.2857C>G variant is predicted to result in the amino acid substitution p.Leu953Val. To our knowledge, this variant has not been reported in the literature or in a large population database (gnomAD), indicating this variant is rare. At this time, the clinical significance of this variant is uncertain due to the absence of conclusive functional and genetic evidence.